The following is an entry in ClinVar:

ClinVar aggregate classification (germline): Benign (0 of 4 stars; one submission).

Conditions:
MUC16-related disorder. Also called: MUC16-related condition.

Allele frequency attached by ClinVar (database versions not stated): 1000 Genomes Project 30x 0.32776.

Submission:

PreventionGenetics, part of Exact Sciences
Classification: Benign for MUC16-related condition. Last evaluated: 2019-02-19. Review status: no assertion criteria provided. Collection method: clinical testing. Allele origin: germline.
Comment: This variant is classified as benign based on ACMG/AMP sequence variant interpretation guidelines (Richards et al. 2015 PMID: 25741868, with internal and published modifications).

NM_001401501.2(MUC16):c.39336G>T (p.Leu13112Phe)

Gene: MUC16 (mucin 16, cell surface associated; minus strand). Cytogenetic location: 19p13.2.
Variant type: single nucleotide variant.
Coding change: c.39336G>T on transcript NM_001401501.2 (MANE Select); coding-DNA position 39336, G replaced by T.
Protein change: p.Leu13112Phe; replaces leucine 13112 with phenylalanine.
Molecular consequence: missense variant.
Genome position (GRCh38, 1-based): chr19:8,898,647, C>A on the plus strand (G>T on the coding strand, the complement: MUC16 is on the minus strand). VCF-style: chr19-8898647-C-A. GRCh37 (hg19) VCF-style: chr19-9009323-C-A.
Other names: c.39762G>T, p.Leu13254Phe (NM_001414686.1); c.39216G>T, p.Leu13072Phe (NM_001414687.1); c.39150G>T, p.Leu13050Phe (NM_024690.2); short protein forms L13050F, L13072F, L13112F, L13254F.
Identifiers: ClinVar variation 3037950 (VCV003037950.2), dbSNP rs36191915, ClinGen allele CA9164170.
Genomic context (GRCh38, chr19:8,898,647, plus strand): 5'-TCACCTGAGAGAGATCAGTCTGCAGCCAGAGTACAGAGGGCCGACACTGGAGTTCTTGAA[C>A]AAGGGACCAAGCTGTGGAAAAGGGACAGAGAGATGAGTAGGAGGGCTAAGGTCCCTGTGT-3'
Protein context (NP_001388430.1, residues 13102-13122): ERVLQGLLGP[Leu13112Phe]FKNSSVGPLY